The following is an entry in ClinVar:

ClinVar aggregate classification (germline): Likely pathogenic. Review status: criteria provided, multiple submitters, no conflicts (2 of 4 stars). 2 submissions from 2 submitters: Likely pathogenic (2). Last evaluated 2025-08-20.

Conditions:
Brain small vessel disease 1 with or without ocular anomalies (BSVD1). Also called: PORENCEPHALY, TYPE 1, AUTOSOMAL DOMINANT; GOULD SYNDROME 1; Brain small vessel disease with or without ocular anomalies; BRAIN SMALL VESSEL DISEASE WITH HEMORRHAGE. Identifiers: Orphanet 2940, Orphanet 36383, Orphanet 99810, MedGen C4755307, MONDO:0008289, OMIM 175780.

Submissions (2):

DNA Diagnostik Hamburg MVZ GbR
Classification: Likely pathogenic for Brain small vessel disease 1 with or without ocular anomalies. Last evaluated: 2025-08-20. Review status: criteria provided, single submitter. Criteria: ACMG Guidelines, 2015. Collection method: clinical testing. Allele origin: de novo. Inheritance: Autosomal dominant inheritance. Affected: yes. Observed: 1 variant allele, 1 heterozygote.
Comment: It causes a glycine substitution in the COL4A1 triple-helical Gly-Xaa-Yaa repeat (p.Gly843Arg), consistent with a known pathogenic mechanism in COL4A1 (PM1; PMID:23225343). In silico prediction strongly suggests a deleterious impact on protein function (REVEL score 0.938, PP3_STR). Based on the available evidence, this variant is classified as likely pathogenic (class 4). ACMG rules applied: PM1, PM2_SUP, PM6_SUP, PP3_STR (scoring according to PMID:32720330)

Broad Center for Mendelian Genomics, Broad Institute of MIT and Harvard
Classification: Likely pathogenic for Brain small vessel disease 1 with or without ocular anomalies. Last evaluated: 2022-05-04. Review status: criteria provided, single submitter. Criteria: ACMG Guidelines, 2015. Collection method: curation. Allele origin: germline. Inheritance: Autosomal dominant inheritance.
Comment: Trio exome analysis showed this variant to be de novo. The variant has not been previously reported in individuals with porencephaly 1 and was absent from large population studies. Computational prediction tools and conservation analyses suggest that this variant may impact the protein, though this information is not predictive enough to determine pathogenicity. In summary, although additional studies are required to fully establish its clinical significance, this variant is likely pathogenic. ACMG/AMP Criteria applied: PS2, PM2, PP3 (Richards 2015).

Literature cited by the submitters: PubMed 23225343 (cited by DNA Diagnostik Hamburg MVZ GbR); PubMed 32720330 (cited by DNA Diagnostik Hamburg MVZ GbR).

NM_001845.6(COL4A1):c.2527G>A (p.Gly843Arg)

Gene: COL4A1 (collagen type IV alpha 1 chain; minus strand). Cytogenetic location: 13q34.
Variant type: single nucleotide variant.
Coding change: c.2527G>A on transcript NM_001845.6 (MANE Select); coding-DNA position 2527, G replaced by A.
Protein change: p.Gly843Arg; replaces glycine 843 with arginine.
Molecular consequence: missense variant.
Genome position (GRCh38, 1-based): chr13:110,178,163, C>T on the plus strand (G>A on the coding strand, the complement: COL4A1 is on the minus strand). VCF-style: chr13-110178163-C-T. GRCh37 (hg19) VCF-style: chr13-110830510-C-T.
Other names: NM_001845.6:c.2527G>A; short protein forms G843R.
Identifiers: ClinVar variation 1679856 (VCV001679856.4), dbSNP rs2139164302, ClinGen allele CA388667911.